The following is an entry in ClinVar:

NM_000540.3(RYR1):c.3901C>G (p.Arg1301Gly)

Gene: RYR1 (ryanodine receptor 1; plus strand). Cytogenetic location: 19q13.2.
Variant type: single nucleotide variant.
Coding change: c.3901C>G on transcript NM_000540.3 (MANE Select); coding-DNA position 3901, C replaced by G.
Protein change: p.Arg1301Gly; replaces arginine 1301 with glycine.
Molecular consequence: missense variant.
Genome position (GRCh38, 1-based): chr19:38,473,512, C>G. VCF-style: chr19-38473512-C-G. GRCh37 (hg19) VCF-style: chr19-38964152-C-G.
Other names: c.3901C>G, p.Arg1301Gly (NM_001042723.2); short protein forms R1301G.
Identifiers: ClinVar variation 3075138 (VCV003075138.1), dbSNP rs745920741, ClinGen allele CA405642053.

ClinVar aggregate classification (germline): Uncertain significance (1 of 4 stars; one submission).

Conditions:
Malignant hyperthermia, susceptibility to, 1 (MHS1). Also called: Anesthesia related hyperthermia; Malignant hyperpyrexia; Fulminating hyperpyrexia; Pharmacogenic myopathy; RYR1-Related Malignant Hyperthermia Susceptibility; Malignant hyperthermia suceptibility 1. Identifiers: Orphanet 423, MedGen C2930980, MONDO:0007783, OMIM 145600.

Submission:

All of Us Research Program, National Institutes of Health
Classification: Uncertain significance for Malignant hyperthermia, susceptibility to, 1. Last evaluated: 2023-12-18. Review status: criteria provided, single submitter. Criteria: ACMG Guidelines, 2015. Collection method: clinical testing. Allele origin: germline. Inheritance: Autosomal dominant inheritance. Observed: 1 variant allele, 1 heterozygote.
Comment: This missense variant replaces arginine with glycine at codon 1301 of the RYR1 protein. Computational prediction is inconclusive regarding the impact of this variant on protein structure and function (internally defined REVEL score threshold 0.5 < inconclusive < 0.7, PMID: 27666373). To our knowledge, functional studies have not been reported for this variant. This variant has not been reported in individuals affected with RYR1-related disorders in the literature. This variant has not been identified in the general population by the Genome Aggregation Database (gnomAD). The available evidence is insufficient to determine the role of this variant in disease conclusively. Therefore, this variant is classified as a Variant of Uncertain Significance.

This study involves interpretation of variants in research participants for the purpose of population health screening. Participant phenotype was not available at the time of variant classification. Additional details can be found in publication PMID: 35346344, PMCID: PMC8962531